The following is an entry in ClinVar:

ClinVar aggregate classification (germline): Uncertain significance. Review status: criteria provided, multiple submitters, no conflicts (2 of 4 stars). 2 submissions from 2 submitters: Uncertain significance (2). Last evaluated 2026-06-29.

Conditions:
Inborn genetic diseases. Identifiers: MedGen C0950123, MeSH D030342.

gnomAD v4.1: 7 of 1,608,334 alleles (0.00044%); highest among the groups gnomAD compares: East Asian, 0.0045%; no homozygotes.

Submissions (2):

Women's Health and Genetics/Laboratory Corporation of America, LabCorp
Classification: Uncertain significance. Last evaluated: 2026-06-29. Review status: criteria provided, single submitter. Criteria: LabCorp Variant Classification Summary - May 2015. Collection method: clinical testing. Allele origin: germline.
Comment: Variant summary: HSPB1 c.95C>T (p.Ala32Val) results in a non-conservative amino acid change in the encoded protein sequence. Algorithms developed to predict the effect of missense changes on protein structure and function all suggest that this variant is likely to be disruptive. The variant was absent in 233996 control chromosomes. The available data on variant occurrences in the general population are insufficient to allow any conclusion about variant significance. To our knowledge, no occurrence of c.95C>T in individuals affected with HSPB1-related conditions and no experimental evidence demonstrating its impact on protein function have been reported. ClinVar contains an entry for this variant (Variation ID: 1767522). Based on the evidence outlined above, the variant was classified as uncertain significance.

Ambry Genetics
Classification: Uncertain significance for Inborn genetic diseases. Last evaluated: 2021-12-16. Review status: criteria provided, single submitter. Criteria: Ambry Variant Classification Scheme 2023. Collection method: clinical testing. Allele origin: germline.
Comment: The p.A32V variant (also known as c.95C>T), located in coding exon 1 of the HSPB1 gene, results from a C to T substitution at nucleotide position 95. The alanine at codon 32 is replaced by valine, an amino acid with similar properties. This amino acid position is conserved. In addition, this alteration is predicted to be tolerated by in silico analysis. Since supporting evidence is limited at this time, the clinical significance of this alteration remains unclear.

NM_001540.5(HSPB1):c.95C>T (p.Ala32Val)

Gene: HSPB1 (heat shock protein family B (small) member 1; plus strand). Cytogenetic location: 7q11.23.
Variant type: single nucleotide variant.
Coding change: c.95C>T on transcript NM_001540.5 (MANE Select); coding-DNA position 95, C replaced by T.
Protein change: p.Ala32Val; replaces alanine 32 with valine.
Molecular consequence: missense variant.
Genome position (GRCh38, 1-based): chr7:76,302,807, C>T. VCF-style: chr7-76302807-C-T. GRCh37 (hg19) VCF-style: chr7-75932124-C-T.
Other names: short protein forms A32V.
Identifiers: ClinVar variation 1767522 (VCV001767522.3), dbSNP rs777261210, ClinGen allele CA367762896.